The following is an entry in ClinVar:

NM_001041.4(SI):c.2094C>A (p.Phe698Leu)

Gene: SI (sucrase-isomaltase; minus strand). Cytogenetic location: 3q26.1.
Variant type: single nucleotide variant.
Coding change: c.2094C>A on transcript NM_001041.4 (MANE Select); coding-DNA position 2094, C replaced by A.
Protein change: p.Phe698Leu; replaces phenylalanine 698 with leucine.
Molecular consequence: missense variant.
Genome position (GRCh38, 1-based): chr3:165,041,005, G>T on the plus strand (C>A on the coding strand, the complement: SI is on the minus strand). VCF-style: chr3-165041005-G-T. GRCh37 (hg19) VCF-style: chr3-164758793-G-T.
Other names: short protein forms F698L.
Identifiers: ClinVar variation 161506 (VCV000161506.2), dbSNP rs193921060, ClinGen allele CA174161.

ClinVar aggregate classification (germline): Uncertain significance (0 of 4 stars; one submission).

Conditions:
Prostate cancer. Also called: Malignant tumor of prostate. Identifiers: Orphanet 1331, MedGen C0376358, MONDO:0008315, HP:0012125.

Allele frequency attached by ClinVar (database versions not stated): TOPMed 0.00001.

Submission:

Science for Life laboratory,  Karolinska Institutet
Classification: Uncertain significance for Malignant tumor of prostate. Review status: no assertion criteria provided. Collection method: not provided. Allele origin: somatic.
Comment: TumorID:SWE-9
ClinVar note: Converted during submission from Unknown to Uncertain significance.